The following is an entry in ClinVar:

NM_001032283.3(TMPO):c.565+1432A>G

Gene: TMPO (thymopoietin; plus strand). Cytogenetic location: 12q23.1.
Variant type: single nucleotide variant.
Coding change: c.565+1432A>G on transcript NM_001032283.3 (MANE Select); 1432 bases into the intron after coding-DNA position 565, A replaced by G.
Molecular consequence: intron variant. On other transcripts: missense variant (1).
Genome position (GRCh38, 1-based): chr12:98,533,270, A>G. VCF-style: chr12-98533270-A-G. GRCh37 (hg19) VCF-style: chr12-98927048-A-G.
Other names: c.1013A>G, p.Gln338Arg (NM_003276.2); c.565+1432A>G (NM_001307975.2, NM_001032284.3); short protein forms Q338R.
Identifiers: ClinVar variation 3458743 (VCV003458743.1).

ClinVar aggregate classification (germline): Uncertain significance (1 of 4 stars; one submission).

gnomAD v4.1: 6 of 1,613,970 alleles (0.00037%); highest among the groups gnomAD compares: Non-Finnish European, 0.00051%; no homozygotes.

Submission:

Ambry Genetics
Classification: Uncertain significance. Last evaluated: 2024-08-12. Review status: criteria provided, single submitter. Criteria: Ambry Variant Classification Scheme 2023. Collection method: clinical testing. Allele origin: germline.
Comment: The p.Q338R variant (also known as c.1013A>G), located in coding exon 4 of the TMPO gene, results from an A to G substitution at nucleotide position 1013. The glutamine at codon 338 is replaced by arginine, an amino acid with highly similar properties. This amino acid position is conserved. In addition, this alteration is predicted to be tolerated by in silico analysis. Based on the available evidence, the clinical significance of this variant remains unclear.